The following is an entry in ClinVar:

ClinVar aggregate classification (germline): Uncertain significance (1 of 4 stars; one submission).

gnomAD v4.1: 3 of 1,613,838 alleles (0.00019%); highest among the groups gnomAD compares: Non-Finnish European, 0.00025%; no homozygotes.

Submission:

GeneDx
Classification: Uncertain significance. Last evaluated: 2024-07-06. Review status: criteria provided, single submitter. Criteria: GeneDx Variant Classification Process June 2021. Collection method: clinical testing. Allele origin: germline. Affected: yes.
Comment: Not observed at significant frequency in large population cohorts (gnomAD); In silico analysis supports that this missense variant has a deleterious effect on protein structure/function; Has not been previously published as pathogenic or benign to our knowledge

NM_000540.3(RYR1):c.3865C>T (p.Arg1289Trp)

Gene: RYR1 (ryanodine receptor 1; plus strand). Cytogenetic location: 19q13.2.
Variant type: single nucleotide variant.
Coding change: c.3865C>T on transcript NM_000540.3 (MANE Select); coding-DNA position 3865, C replaced by T.
Protein change: p.Arg1289Trp; replaces arginine 1289 with tryptophan.
Molecular consequence: missense variant.
Genome position (GRCh38, 1-based): chr19:38,473,476, C>T. VCF-style: chr19-38473476-C-T. GRCh37 (hg19) VCF-style: chr19-38964116-C-T.
Other names: c.3865C>T, p.Arg1289Trp (NM_001042723.2); short protein forms R1289W.
Identifiers: ClinVar variation 3393568 (VCV003393568.1).